The following is an entry in ClinVar:

NM_007227.3(GPR45):c.363C>A (p.Gly121=)

Gene: GPR45 (G protein-coupled receptor 45; plus strand). Cytogenetic location: 2q12.1.
Variant type: single nucleotide variant.
Coding change: c.363C>A on transcript NM_007227.3 (MANE Select); coding-DNA position 363, C replaced by A.
Protein change: p.Gly121=; no amino-acid change (glycine 121 retained).
Molecular consequence: synonymous variant.
Genome position (GRCh38, 1-based): chr2:105,242,221, C>A. VCF-style: chr2-105242221-C-A. GRCh37 (hg19) VCF-style: chr2-105858678-C-A.
Identifiers: ClinVar variation 3606358 (VCV003606358.2).

ClinVar aggregate classification (germline): Uncertain significance (1 of 4 stars; one submission).

gnomAD v4.1: 25 of 1,614,004 alleles (0.0015%); highest among the groups gnomAD compares: Non-Finnish European, 0.0021%; no homozygotes.

Submission:

Labcorp Genetics (formerly Invitae), Labcorp
Classification: Uncertain significance. Last evaluated: 2024-03-27. Review status: criteria provided, single submitter. Criteria: Invitae Variant Classification Sherloc (09022015). Collection method: clinical testing. Allele origin: germline.
Comment: This sequence change affects codon 121 of the GPR45 mRNA. It is a 'silent' change, meaning that it does not change the encoded amino acid sequence of the GPR45 protein. This variant is present in population databases (no rsID available, gnomAD 0.0009%). This variant has not been reported in the literature in individuals affected with GPR45-related conditions. In summary, the available evidence is currently insufficient to determine the role of this variant in disease. Therefore, it has been classified as a Variant of Uncertain Significance.